The following is an entry in ClinVar:

NM_005219.5(DIAPH1):c.2224C>G (p.Pro742Ala)

Gene: DIAPH1 (diaphanous related formin 1; minus strand). Cytogenetic location: 5q31.3.
Variant type: single nucleotide variant.
Coding change: c.2224C>G on transcript NM_005219.5 (MANE Select); coding-DNA position 2224, C replaced by G.
Protein change: p.Pro742Ala; replaces proline 742 with alanine.
Molecular consequence: missense variant.
Genome position (GRCh38, 1-based): chr5:141,573,626, G>C on the plus strand (C>G on the coding strand, the complement: DIAPH1 is on the minus strand). VCF-style: chr5-141573626-G-C. GRCh37 (hg19) VCF-style: chr5-140953193-G-C.
Other names: p.Pro742Ala; c.2197C>G, p.Pro733Ala (NM_001079812.3); c.2224C>G, p.Pro742Ala (NM_001314007.2); short protein forms P742A, P733A.
Identifiers: ClinVar variation 542364 (VCV000542364.31), dbSNP rs199749212, ClinGen allele CA3479133.

ClinVar aggregate classification (germline): Conflicting classifications of pathogenicity. Review status: criteria provided, conflicting classifications (1 of 4 stars). 10 submissions from 10 submitters: Uncertain significance (7); Likely benign (3). Last evaluated 2026-05-12.

Conditions:
Autosomal dominant nonsyndromic hearing loss 1. Also called: KONIGSMARK SYNDROME; DEAFNESS, AUTOSOMAL DOMINANT 1, WITH OR WITHOUT THROMBOCYTOPENIA. Identifiers: Orphanet 90635, MedGen C1852282, MONDO:0007424, OMIM 124900.
Progressive microcephaly-seizures-cortical blindness-developmental delay syndrome. Also called: Seizures, cortical blindness, and microcephaly syndrome. Identifiers: Orphanet 477814, MedGen C5567650, MONDO:0014714, OMIM 616632.
DIAPH1-related disorder. Also called: DIAPH1-related condition.

Allele frequency attached by ClinVar (database versions not stated): ExAC 0.00022; gnomAD exomes 0.00026 and 0.00051; TOPMed 0.00032; gnomAD 0.00035 and 0.00036; ESP Exome Variant Server 0.00042.
gnomAD v4.1: 788 of 1,613,728 alleles (0.049%); highest among the groups gnomAD compares: Non-Finnish European, 0.063%; 1 homozygote.

Submissions (10):

PreventionGenetics, part of Exact Sciences
Classification: Uncertain significance for DIAPH1-related condition. Last evaluated: 2026-05-12. Review status: criteria provided, single submitter. Criteria: ACMG Guidelines, 2015. Collection method: clinical testing. Allele origin: germline.
Comment: The DIAPH1 c.2224C>G variant is predicted to result in the amino acid substitution p.Pro742Ala. To our knowledge, this variant has not been reported in the literature. This variant is reported in 0.049% of alleles in individuals of European (Non-Finnish) descent in gnomAD, which is more common than expected for a primary cause of disease. Although we suspect that this variant may be benign, at this time, the clinical significance is uncertain due to the absence of conclusive functional and genetic evidence.

Labcorp Genetics (formerly Invitae), Labcorp
Classification: Uncertain significance for Progressive microcephaly-seizures-cortical blindness-developmental delay syndrome; Autosomal dominant nonsyndromic hearing loss 1. Last evaluated: 2026-01-26. Review status: criteria provided, single submitter. Criteria: Invitae Variant Classification Sherloc (09022015). Collection method: clinical testing. Allele origin: germline.
Comment: This sequence change replaces proline, which is neutral and non-polar, with alanine, which is neutral and non-polar, at codon 742 of the DIAPH1 protein (p.Pro742Ala). This variant is present in population databases (rs199749212, gnomAD 0.05%), including at least one homozygous and/or hemizygous individual. This variant has not been reported in the literature in individuals affected with DIAPH1-related conditions. ClinVar contains an entry for this variant (Variation ID: 542364). Experimental studies and prediction algorithms are not available or were not evaluated, and the functional significance of this variant is currently unknown. In summary, the available evidence is currently insufficient to determine the role of this variant in disease. Therefore, it has been classified as a Variant of Uncertain Significance.

Women's Health and Genetics/Laboratory Corporation of America, LabCorp
Classification: Uncertain significance. Last evaluated: 2025-12-30. Review status: criteria provided, single submitter. Criteria: LabCorp Variant Classification Summary - May 2015. Collection method: clinical testing. Allele origin: germline.
Comment: Variant summary: DIAPH1 c.2224C>G (p.Pro742Ala) results in a non-conservative amino acid change in the encoded protein sequence. Algorithms developed to predict the effect of missense changes on protein structure and function all suggest that this variant is likely to be disruptive. The variant allele was found at a frequency of 0.00026 in 249034 control chromosomes. This frequency is not significantly higher than estimated for disease-causing variants in DIAPH1, allowing no conclusion about variant significance. To our knowledge, no occurrence of c.2224C>G in individuals affected with DIAPH1-related conditions and no experimental evidence demonstrating its impact on protein function have been reported. ClinVar contains an entry for this variant (Variation ID: 542364). Based on the evidence outlined above, the variant was classified as uncertain significance.

CeGaT Center for Human Genetics Tuebingen
Classification: Likely benign. Last evaluated: 2025-10-01. Review status: criteria provided, single submitter. Criteria: CeGaT Center For Human Genetics Tuebingen Variant Classification Criteria Version 2. Collection method: clinical testing. Allele origin: germline. Affected: yes. Observed: 1 variant allele.
Comment: DIAPH1: BS2

Mayo Clinic Laboratories, Mayo Clinic
Classification: Likely benign. Last evaluated: 2025-04-16. Review status: criteria provided, single submitter. Criteria: ACMG Guidelines, 2015. Collection method: clinical testing. Allele origin: germline. Observed: 1 variant allele.
Comment: BS1

Blueprint Genetics
Classification: Uncertain significance. Last evaluated: 2024-08-15. Review status: criteria provided, single submitter. Criteria: ACMG Guidelines, 2015. Collection method: clinical testing. Allele origin: germline.

GeneDx
Classification: Uncertain significance. Last evaluated: 2024-03-26. Review status: criteria provided, single submitter. Criteria: GeneDx Variant Classification Process June 2021. Collection method: clinical testing. Allele origin: germline. Affected: yes.
Comment: In silico analysis supports that this missense variant does not alter protein structure/function; Has not been previously published as pathogenic or benign to our knowledge

Laboratory for Molecular Medicine, Mass General Brigham Personalized Medicine
Classification: Likely benign. Last evaluated: 2018-12-23. Review status: criteria provided, single submitter. Criteria: LMM Criteria. Collection method: clinical testing. Allele origin: germline. Observed: 1 variant allele.
Comment: The p.Pro742Ala variant in DIAPH1 is classified as likely benign because it has been identified in 0.05% (63/128264) of European chromosomes including 1 homozyg ote by gnomAD. ACMG/AMP Criteria applied: BS1 .

Fulgent Genetics
Classification: Uncertain significance for Autosomal dominant nonsyndromic hearing loss 1; Progressive microcephaly-seizures-cortical blindness-developmental delay syndrome. Last evaluated: 2018-10-31. Review status: criteria provided, single submitter. Criteria: ACMG Guidelines, 2015. Collection method: clinical testing. Allele origin: unknown.

Illumina Laboratory Services, Illumina
Classification: Uncertain significance for Autosomal dominant nonsyndromic hearing loss 1. Last evaluated: 2018-01-13. Review status: criteria provided, single submitter. Criteria: ICSL Variant Classification Criteria 13 December 2019. Collection method: clinical testing. Allele origin: germline.